The following is an entry in ClinVar:

NM_003737.4(DCHS1):c.4708C>T (p.Arg1570Trp)

Gene: DCHS1 (dachsous cadherin-related 1; minus strand). Cytogenetic location: 11p15.4.
Variant type: single nucleotide variant.
Coding change: c.4708C>T on transcript NM_003737.4 (MANE Select); coding-DNA position 4708, C replaced by T.
Protein change: p.Arg1570Trp; replaces arginine 1570 with tryptophan.
Molecular consequence: missense variant.
Genome position (GRCh38, 1-based): chr11:6,630,086, G>A on the plus strand (C>T on the coding strand, the complement: DCHS1 is on the minus strand). VCF-style: chr11-6630086-G-A. GRCh37 (hg19) VCF-style: chr11-6651317-G-A.
Other names: c.4708C>T (NM_003737.2); short protein forms R1570W.
Identifiers: ClinVar variation 1506109 (VCV001506109.7), dbSNP rs750696447, ClinGen allele CA217297803.

ClinVar aggregate classification (germline): Uncertain significance. Review status: criteria provided, multiple submitters, no conflicts (2 of 4 stars). 2 submissions from 2 submitters: Uncertain significance (2). Last evaluated 2022-12-19.

Conditions:
Inborn genetic diseases. Identifiers: MedGen C0950123, MeSH D030342.

Allele frequency attached by ClinVar (database versions not stated): gnomAD 0.00001 and 0.00002; gnomAD exomes 0.00001; TOPMed 0.00002.
gnomAD v4.1: 7 of 1,593,206 alleles (0.00044%); highest among the groups gnomAD compares: African/African-American, 0.004%; no homozygotes.

Submissions (2):

Ambry Genetics
Classification: Uncertain significance for Inborn genetic diseases. Last evaluated: 2022-12-19. Review status: criteria provided, single submitter. Criteria: Ambry Variant Classification Scheme 2023. Collection method: clinical testing. Allele origin: germline.

Labcorp Genetics (formerly Invitae), Labcorp
Classification: Uncertain significance. Last evaluated: 2021-11-25. Review status: criteria provided, single submitter. Criteria: Invitae Variant Classification Sherloc (09022015). Collection method: clinical testing. Allele origin: germline.
Comment: This variant has not been reported in the literature in individuals affected with DCHS1-related conditions. Advanced modeling of protein sequence and biophysical properties (such as structural, functional, and spatial information, amino acid conservation, physicochemical variation, residue mobility, and thermodynamic stability) performed at Invitae indicates that this missense variant is not expected to disrupt DCHS1 protein function. In summary, the available evidence is currently insufficient to determine the role of this variant in disease. Therefore, it has been classified as a Variant of Uncertain Significance. This variant is present in population databases (no rsID available, gnomAD 0.01%). This sequence change replaces arginine, which is basic and polar, with tryptophan, which is neutral and slightly polar, at codon 1570 of the DCHS1 protein (p.Arg1570Trp).